The following is an entry in ClinVar:

NM_002519.3(NPAT):c.1684A>T (p.Ile562Phe)

Gene: NPAT (nuclear protein, coactivator of histone transcription; minus strand). Cytogenetic location: 11q22.3.
Variant type: single nucleotide variant.
Coding change: c.1684A>T on transcript NM_002519.3 (MANE Select); coding-DNA position 1684, A replaced by T.
Protein change: p.Ile562Phe; replaces isoleucine 562 with phenylalanine.
Molecular consequence: missense variant.
Genome position (GRCh38, 1-based): chr11:108,173,300, T>A on the plus strand (A>T on the coding strand, the complement: NPAT is on the minus strand). VCF-style: chr11-108173300-T-A. GRCh37 (hg19) VCF-style: chr11-108044027-T-A.
Other names: c.1684A>T, p.Ile562Phe (NM_001321307.1); short protein forms I562F.
Identifiers: ClinVar variation 1777967 (VCV001777967.2), dbSNP rs2496720458, ClinGen allele CA382514591.

ClinVar aggregate classification (germline): Uncertain significance (1 of 4 stars; one submission).

Submission:

Ambry Genetics
Classification: Uncertain significance. Last evaluated: 2022-04-26. Review status: criteria provided, single submitter. Criteria: Ambry Variant Classification Scheme 2023. Collection method: clinical testing. Allele origin: germline.
Comment: The p.I562F variant (also known as c.1684A>T), located in coding exon 13 of the NPAT gene, results from an A to T substitution at nucleotide position 1684. The isoleucine at codon 562 is replaced by phenylalanine, an amino acid with highly similar properties. This amino acid position is conserved. In addition, this alteration is predicted to be tolerated by in silico analysis. Since supporting evidence is limited at this time, the clinical significance of this alteration remains unclear.